The following is an entry in ClinVar:

ClinVar aggregate classification (germline): Uncertain significance (1 of 4 stars; one submission).

Conditions:
Severe myoclonic epilepsy in infancy (DRVT). Also called: Dravet syndrome; Epileptic encephalopathy, early infantile, 6 (Dravet syndrome); SEVERE MYOCLONIC EPILEPSY OF INFANCY; DEVELOPMENTAL AND EPILEPTIC ENCEPHALOPATHY 6A; Severe Myoclonic Epilepsy in Infancy (SMEI). Identifiers: Orphanet 33069, MedGen C0751122, MONDO:0100135, OMIM 607208.

Allele frequency attached by ClinVar (database versions not stated): gnomAD 0.00001; TOPMed 0.00005; ExAC 0.00008.
gnomAD v4.1: 28 of 1,613,702 alleles (0.0017%); highest among the groups gnomAD compares: Admixed American, 0.04%; no homozygotes.

Submission:

Labcorp Genetics (formerly Invitae), Labcorp
Classification: Uncertain significance for Severe myoclonic epilepsy in infancy. Last evaluated: 2022-08-15. Review status: criteria provided, single submitter. Criteria: Invitae Variant Classification Sherloc (09022015). Collection method: clinical testing. Allele origin: germline.
Comment: This sequence change replaces aspartic acid, which is acidic and polar, with glycine, which is neutral and non-polar, at codon 283 of the SNX27 protein (p.Asp283Gly). This variant is present in population databases (rs776237861, gnomAD 0.06%). This variant has not been reported in the literature in individuals affected with SNX27-related conditions. ClinVar contains an entry for this variant (Variation ID: 462821). Algorithms developed to predict the effect of missense changes on protein structure and function (SIFT, PolyPhen-2, Align-GVGD) all suggest that this variant is likely to be disruptive. Algorithms developed to predict the effect of sequence changes on RNA splicing suggest that this variant may create or strengthen a splice site. In summary, the available evidence is currently insufficient to determine the role of this variant in disease. Therefore, it has been classified as a Variant of Uncertain Significance.

NM_001330723.2(SNX27):c.848A>G (p.Asp283Gly)

Gene: SNX27 (sorting nexin 27; plus strand). Cytogenetic location: 1q21.3.
Variant type: single nucleotide variant.
Coding change: c.848A>G on transcript NM_001330723.2 (MANE Select); coding-DNA position 848, A replaced by G.
Protein change: p.Asp283Gly; replaces aspartic acid 283 with glycine.
Molecular consequence: missense variant.
Genome position (GRCh38, 1-based): chr1:151,662,212, A>G. VCF-style: chr1-151662212-A-G. GRCh37 (hg19) VCF-style: chr1-151634688-A-G.
Other names: c.848A>G, p.Asp283Gly (NM_030918.6); short protein forms D283G.
Identifiers: ClinVar variation 462821 (VCV000462821.7), dbSNP rs776237861, ClinGen allele CA1093510.